The following is an entry in ClinVar:

ClinVar aggregate classification (germline): other (0 of 4 stars; one submission).

Conditions:
Familial colorectal cancer. Identifiers: MedGen CN280943, MONDO:0023113. Disease mechanism: loss of function.

Submission:

Systems Biology Platform Zhejiang California International NanoSystems Institute
Classification: other for Familial colorectal cancer. Review status: no assertion criteria provided. Collection method: not provided. Allele origin: unknown.
ClinVar note: Converted during submission from cancer to other.

NM_000038.6(APC):c.645+4368C>T

Gene: APC (APC regulator of WNT signaling pathway; plus strand). Cytogenetic location: 5q22.2.
Variant type: single nucleotide variant.
Coding change: c.645+4368C>T on transcript NM_000038.6 (MANE Select); 4368 bases into the intron after coding-DNA position 645, C replaced by T.
Molecular consequence: intron variant.
Genome position (GRCh38, 1-based): chr5:112,785,271, C>T. VCF-style: chr5-112785271-C-T. GRCh37 (hg19) VCF-style: chr5-112120968-C-T.
Other names: c.645+4368C>T (NM_001354895.2, NM_001127510.3, NM_001354896.2 and 2 more transcripts); c.675+4368C>T (NM_001354897.2, NM_001354902.2, NM_001127511.3); c.570+4368C>T (NM_001354898.2, NM_001354904.2); c.-391+4368C>T (NM_001354906.2); c.468+4368C>T (NM_001354900.2, NM_001354901.2, NM_001354905.2).
Identifiers: ClinVar variation 82962 (VCV000082962.2), dbSNP rs75172138, ClinGen allele CA011512.